The following is an entry in ClinVar:

ClinVar aggregate classification (germline): Uncertain significance. Review status: criteria provided, multiple submitters, no conflicts (2 of 4 stars). 2 submissions from 2 submitters: Uncertain significance (2). Last evaluated 2025-10-31.

Conditions:
Hereditary cancer-predisposing syndrome. Also called: Hereditary neoplastic syndrome; Neoplastic Syndromes, Hereditary; Tumor predisposition; Hereditary Cancer Syndrome. Identifiers: Orphanet 140162, MedGen C0027672, MeSH D009386, MONDO:0015356.
DICER1-related tumor predisposition. Also called: DICER1-related pleuropulmonary blastoma cancer predisposition syndrome; DICER1 syndrome. Identifiers: Orphanet 284343, MedGen C3839822, MONDO:0100216.

Submissions (2):

Labcorp Genetics (formerly Invitae), Labcorp
Classification: Uncertain significance for DICER1-related tumor predisposition. Last evaluated: 2025-10-31. Review status: criteria provided, single submitter. Criteria: Invitae Variant Classification Sherloc (09022015). Collection method: clinical testing. Allele origin: germline.
Comment: This sequence change replaces leucine, which is neutral and non-polar, with phenylalanine, which is neutral and non-polar, at codon 460 of the DICER1 protein (p.Leu460Phe). This variant is not present in population databases (gnomAD no frequency). This variant has not been reported in the literature in individuals affected with DICER1-related conditions. ClinVar contains an entry for this variant (Variation ID: 483451). Invitae Evidence Modeling of protein sequence and biophysical properties (such as structural, functional, and spatial information, amino acid conservation, physicochemical variation, residue mobility, and thermodynamic stability) indicates that this missense variant is not expected to disrupt DICER1 protein function with a negative predictive value of 95%. In summary, the available evidence is currently insufficient to determine the role of this variant in disease. Therefore, it has been classified as a Variant of Uncertain Significance.

Ambry Genetics
Classification: Uncertain significance for Hereditary cancer-predisposing syndrome. Last evaluated: 2025-03-13. Review status: criteria provided, single submitter. Criteria: Ambry Variant Classification Scheme 2023. Collection method: clinical testing. Allele origin: germline.
Comment: The p.L460F variant (also known as c.1380G>C), located in coding exon 8 of the DICER1 gene, results from a G to C substitution at nucleotide position 1380. The leucine at codon 460 is replaced by phenylalanine, an amino acid with highly similar properties. This amino acid position is highly conserved in available vertebrate species. In addition, the in silico prediction for this alteration is inconclusive. Based on the available evidence, the clinical significance of this variant remains unclear.

NM_177438.3(DICER1):c.1380G>C (p.Leu460Phe)

Gene: DICER1 (dicer 1, ribonuclease III; minus strand). Cytogenetic location: 14q32.13.
Variant type: single nucleotide variant.
Coding change: c.1380G>C on transcript NM_177438.3 (MANE Select); coding-DNA position 1380, G replaced by C.
Protein change: p.Leu460Phe; replaces leucine 460 with phenylalanine.
Molecular consequence: missense variant.
Genome position (GRCh38, 1-based): chr14:95,117,751, C>G on the plus strand (G>C on the coding strand, the complement: DICER1 is on the minus strand). VCF-style: chr14-95117751-C-G. GRCh37 (hg19) VCF-style: chr14-95584088-C-G.
Other names: c.1380G>C, p.Leu460Phe (NM_001195573.1, NM_001271282.3, NM_001291628.2 and 1 more transcripts); short protein forms L460F.
Identifiers: ClinVar variation 483451 (VCV000483451.15), dbSNP rs1555373260, ClinGen allele CA390885698.
Genomic context (GRCh38, chr14:95,117,751, plus strand): 5'-AGTTATGAAATTGCTACTGATATAAGCCAGCTCTGGATCTTGTTTGCCAGCTTCCTTTAT[C>G]AATCTAAGAAAATTATACACATTTGGAAGTTAAACGTTGCTGAAAGAAAATAAACTTTTG-3'
Protein context (NP_803187.1, residues 450-470): RRYTAVVLNR[Leu460Phe]IKEAGKQDPE